The following is an entry in ClinVar:

NM_020693.4(DSCAML1):c.4609T>C (p.Phe1537Leu)

Gene: DSCAML1 (DS cell adhesion molecule like 1; minus strand). Cytogenetic location: 11q23.3.
Variant type: single nucleotide variant.
Coding change: c.4609T>C on transcript NM_020693.4 (MANE Select); coding-DNA position 4609, T replaced by C.
Protein change: p.Phe1537Leu; replaces phenylalanine 1537 with leucine.
Molecular consequence: missense variant.
Genome position (GRCh38, 1-based): chr11:117,437,233, A>G on the plus strand (T>C on the coding strand, the complement: DSCAML1 is on the minus strand). VCF-style: chr11-117437233-A-G. GRCh37 (hg19) VCF-style: chr11-117307949-A-G.
Other names: short protein forms F1537L.
Identifiers: ClinVar variation 3684399 (VCV003684399.2).

ClinVar aggregate classification (germline): Uncertain significance (1 of 4 stars; one submission).

Submission:

Labcorp Genetics (formerly Invitae), Labcorp
Classification: Uncertain significance. Last evaluated: 2024-04-02. Review status: criteria provided, single submitter. Criteria: Invitae Variant Classification Sherloc (09022015). Collection method: clinical testing. Allele origin: germline.
Comment: This sequence change replaces phenylalanine, which is neutral and non-polar, with leucine, which is neutral and non-polar, at codon 1597 of the DSCAML1 protein (p.Phe1597Leu). This variant is not present in population databases (gnomAD no frequency). This variant has not been reported in the literature in individuals affected with DSCAML1-related conditions. An algorithm developed to predict the effect of missense changes on protein structure and function (PolyPhen-2) suggests that this variant is likely to be tolerated. In summary, the available evidence is currently insufficient to determine the role of this variant in disease. Therefore, it has been classified as a Variant of Uncertain Significance.